The following is an entry in ClinVar:

ClinVar aggregate classification (germline): Uncertain significance (1 of 4 stars; one submission).

Conditions:
Autosomal recessive mendelian susceptibility to mycobacterial diseases due to complete RORgamma receptor deficiency. Also called: Immunodeficiency 42. Identifiers: Orphanet 477857, MedGen C5567647, MONDO:0014710, OMIM 616622.

Submission:

Labcorp Genetics (formerly Invitae), Labcorp
Classification: Uncertain significance for Autosomal recessive mendelian susceptibility to mycobacterial diseases due to complete RORgamma receptor deficiency. Last evaluated: 2022-02-25. Review status: criteria provided, single submitter. Criteria: Invitae Variant Classification Sherloc (09022015). Collection method: clinical testing. Allele origin: germline.
Comment: In summary, the available evidence is currently insufficient to determine the role of this variant in disease. Therefore, it has been classified as a Variant of Uncertain Significance. Algorithms developed to predict the effect of missense changes on protein structure and function output the following: SIFT: "Tolerated"; PolyPhen-2: "Benign"; Align-GVGD: "Class C0". The glutamic acid amino acid residue is found in multiple mammalian species, which suggests that this missense change does not adversely affect protein function. This variant has not been reported in the literature in individuals affected with RORC-related conditions. This variant is not present in population databases (gnomAD no frequency). This sequence change replaces glycine, which is neutral and non-polar, with glutamic acid, which is acidic and polar, at codon 240 of the RORC protein (p.Gly240Glu).

NM_005060.4(RORC):c.719G>A (p.Gly240Glu)

Gene: RORC (RAR related orphan receptor C; minus strand). Cytogenetic location: 1q21.3.
Variant type: single nucleotide variant.
Coding change: c.719G>A on transcript NM_005060.4 (MANE Select); coding-DNA position 719, G replaced by A.
Protein change: p.Gly240Glu; replaces glycine 240 with glutamic acid.
Molecular consequence: missense variant.
Genome position (GRCh38, 1-based): chr1:151,815,005, C>T on the plus strand (G>A on the coding strand, the complement: RORC is on the minus strand). VCF-style: chr1-151815005-C-T. GRCh37 (hg19) VCF-style: chr1-151787481-C-T.
Other names: c.656G>A, p.Gly219Glu (NM_001001523.2); short protein forms G240E, G219E.
Identifiers: ClinVar variation 1462626 (VCV001462626.8), dbSNP rs2101658675, ClinGen allele CA342015696.
Genomic context (GRCh38, chr1:151,815,005, plus strand): 5'-GGTGTGCTGCGGAAACTGGGGCTGCCGTAGCTGTCTGGGCCCTGTCCCAGTTCCCCAAGC[C>T]CAGGATGCCTGTGTTCCTCAAAACGAAGTCCACATCGGTCAGGGGTCAGCTGGCTGCCTG-3'
Protein context (NP_005051.2, residues 230-250): GLRFEEHRHP[Gly240Glu]LGELGQGPDS